The following is an entry in ClinVar:

NM_001330311.2(DVL1):c.446G>A (p.Arg149Gln)

Gene: DVL1 (dishevelled segment polarity protein 1; minus strand). Cytogenetic location: 1p36.33.
Variant type: single nucleotide variant.
Coding change: c.446G>A on transcript NM_001330311.2 (MANE Select); coding-DNA position 446, G replaced by A.
Protein change: p.Arg149Gln; replaces arginine 149 with glutamine.
Molecular consequence: missense variant.
Genome position (GRCh38, 1-based): chr1:1,342,073, C>T on the plus strand (G>A on the coding strand, the complement: DVL1 is on the minus strand). VCF-style: chr1-1342073-C-T. GRCh37 (hg19) VCF-style: chr1-1277453-C-T.
Other names: c.446G>A, p.Arg149Gln (NM_004421.3); short protein forms R149Q.
Identifiers: ClinVar variation 3086380 (VCV003086380.3), dbSNP rs998424030, ClinGen allele CA16760020.

ClinVar aggregate classification (germline): Uncertain significance. Review status: criteria provided, multiple submitters, no conflicts (2 of 4 stars). 2 submissions from 2 submitters: Uncertain significance (2). Last evaluated 2025-06-19.

Conditions:
Inborn genetic diseases. Identifiers: MedGen C0950123, MeSH D030342.

Allele frequency attached by ClinVar (database versions not stated): TOPMed 0.00002; gnomAD 0.00003; gnomAD exomes 0.00007.

Submissions (2):

Labcorp Genetics (formerly Invitae), Labcorp
Classification: Uncertain significance. Last evaluated: 2025-06-19. Review status: criteria provided, single submitter. Criteria: Invitae Variant Classification Sherloc (09022015). Collection method: clinical testing. Allele origin: germline.
Comment: This sequence change replaces arginine, which is basic and polar, with glutamine, which is neutral and polar, at codon 149 of the DVL1 protein (p.Arg149Gln). This variant is present in population databases (no rsID available, gnomAD 0.01%). This variant has not been reported in the literature in individuals affected with DVL1-related conditions. ClinVar contains an entry for this variant (Variation ID: 3086380). Invitae Evidence Modeling of protein sequence and biophysical properties (such as structural, functional, and spatial information, amino acid conservation, physicochemical variation, residue mobility, and thermodynamic stability) indicates that this missense variant is not expected to disrupt DVL1 protein function with a negative predictive value of 80%. In summary, the available evidence is currently insufficient to determine the role of this variant in disease. Therefore, it has been classified as a Variant of Uncertain Significance.

Ambry Genetics
Classification: Uncertain significance for Inborn genetic diseases. Last evaluated: 2024-01-08. Review status: criteria provided, single submitter. Criteria: Ambry Variant Classification Scheme 2023. Collection method: clinical testing. Allele origin: germline.